The following is an entry in ClinVar:

NM_001267550.2(TTN):c.53206C>T (p.Arg17736Ter)

Genes: TTN (titin; minus strand), TTN-AS1 (TTN antisense RNA 1; plus strand), LOC126806425 (BRD4-independent group 4 enhancer GRCh37_chr2:179471933-179473132; plus strand). Cytogenetic location: 2q31.2.
Variant type: single nucleotide variant.
Coding change: c.53206C>T on transcript NM_001267550.2 (MANE Select); coding-DNA position 53206, C replaced by T.
Protein change: p.Arg17736Ter; replaces arginine 17736 with a stop codon.
Molecular consequence: nonsense.
Genome position (GRCh38, 1-based): chr2:178,607,482, G>A on the plus strand (C>T on the coding strand, the complement: TTN is on the minus strand). VCF-style: chr2-178607482-G-A. GRCh37 (hg19) VCF-style: chr2-179472209-G-A.
Other names: c.48283C>T, p.Arg16095Ter (NM_001256850.1); c.26011C>T, p.Arg8671Ter (NM_003319.4); c.45502C>T, p.Arg15168Ter (NM_133378.4); c.26386C>T, p.Arg8796Ter (NM_133432.3); c.26587C>T, p.Arg8863Ter (NM_133437.4); short protein forms R15168*, R16095*, R17736*, R8671*, R8796*, R8863*.
Identifiers: ClinVar variation 1066067 (VCV001066067.21), dbSNP rs571702144, ClinGen allele CA349566033.

ClinVar aggregate classification (germline): Pathogenic/Likely pathogenic. Review status: criteria provided, multiple submitters, no conflicts (2 of 4 stars). 6 submissions from 6 submitters: Pathogenic (4); Likely pathogenic (1). 1 of the submissions does not count toward it. Last evaluated 2026-01-07.

Conditions:
Autosomal recessive limb-girdle muscular dystrophy type 2J (LGMDR10). Also called: Limb-girdle muscular dystrophy, type 2J; MUSCULAR DYSTROPHY, LIMB-GIRDLE, AUTOSOMAL RECESSIVE 10. Identifiers: Orphanet 140922, MedGen C1837342, MONDO:0012127, OMIM 608807.
Dilated cardiomyopathy 1G (CMD1G). Identifiers: Orphanet 154, MedGen C1858763, MONDO:0011400, OMIM 604145.
TTN-related disorder. Also called: TTN-related condition; TTN-related disease; TTN-related disorders.
Cardiovascular phenotype. Identifiers: MedGen CN230736.

gnomAD v4.1: 5 of 1,613,010 alleles (0.00031%); highest among the groups gnomAD compares: East Asian, 0.0022%; no homozygotes.

Submissions (6):

Labcorp Genetics (formerly Invitae), Labcorp
Classification: Pathogenic for Dilated cardiomyopathy 1G; Autosomal recessive limb-girdle muscular dystrophy type 2J. Last evaluated: 2026-01-07. Review status: criteria provided, single submitter. Criteria: Invitae Variant Classification Sherloc (09022015). Collection method: clinical testing. Allele origin: germline.
Comment: This sequence change creates a premature translational stop signal (p.Arg17736*) in the TTN gene. While this is not anticipated to result in nonsense mediated decay, it is expected to create a truncated TTN protein. This variant is present in population databases (no rsID available, gnomAD 0.007%). This premature translational stop signal has been observed in individuals with atrial fibrillation, dilated cardiomyopathy, and/or sudden infant death syndrome (PMID: 25163546, 28045975, 29544605, 30535219, 31983221, 33996946, 34495297, 35653365, 37652022; internal data). This variant is also known as c.C26587T (p.R8863X) and c.26011C>T (p.Arg8671*). ClinVar contains an entry for this variant (Variation ID: 1066067). This variant is located in the A band of TTN (PMID: 25589632). Truncating variants in this region are significantly overrepresented in patients affected with dilated cardiomyopathy (PMID: 25589632). Truncating variants in this region have also been reported in individuals affected with autosomal recessive centronuclear myopathy (PMID: 23975875). For these reasons, this variant has been classified as Pathogenic.

GeneDx
Classification: Likely pathogenic. Last evaluated: 2025-05-07. Review status: criteria provided, single submitter. Criteria: GeneDx Variant Classification Process June 2021. Collection method: clinical testing. Allele origin: germline. Affected: yes.
Comment: Nonsense variant predicted to result in protein truncation or nonsense mediated decay in a gene for which loss of function is a known mechanism of disease; Located in the A-band, a region of TTN for which truncating variants are significantly associated with autosomal dominant cardiomyopathy and also with autosomal recessive skeletal myopathies (PMID: 22335739, 32778822); Reported in association with DCM, early-onset atrial fibrillation, sudden infant death syndrome (SIDS), and skeletal muscle disease in published literature (PMID: 30535219, 25163546, 28045975, 29544605, 31983221, 32039858, 34495297, 35653365, 33996946, 37652022); Not observed at significant frequency in large population cohorts (gnomAD); This variant is associated with the following publications: (PMID: 31983221, 32039858, 29544605, 25163546, 28045975, 34495297, 35653365, 30535219, Chmielewski_2024(Article), 33996946, 37652022, 22335739, 32778822, 38438525, 38892874)

Clinical Genetics Laboratory, University Hospital Schleswig-Holstein
Classification: Pathogenic for Dilated cardiomyopathy 1G. Last evaluated: 2025-04-29. Review status: criteria provided, single submitter. Criteria: ACMG Guidelines, 2015. Collection method: clinical testing. Allele origin: germline. Affected: yes. Observed: 1 heterozygote.
Comment: ACMG criteria applied: PM2, PS4_Moderate, PVS1

Ambry Genetics
Classification: Pathogenic for Cardiovascular phenotype. Last evaluated: 2024-09-12. Review status: criteria provided, single submitter. Criteria: Ambry Variant Classification Scheme 2023. Collection method: clinical testing. Allele origin: germline.
Comment: The p.R8671* pathogenic mutation (also known as c.26011C>T), located in coding exon 104 of the TTN gene, results from a C to T substitution at nucleotide position 26011. This changes the amino acid from an arginine to a stop codon within coding exon 104. This exon is located in the A-band region of the N2-B isoform of the titin protein and is constitutively expressed in TTN transcripts (percent spliced in or PSI 100%). This variant (also referred to as p.R8863*, c.26587C>T and p.R17736*, c.53206C>T) has been detected in dilated cardiomyopathy (DCM), sudden infant death and early onset atrial fibrillation cohorts, and has been reported to segregate with DCM in a family (Haas J et al. Eur. Heart J., 2015 May;36:1123-35a; Franaszczyk M et al. PLoS ONE, 2017 Jan;12:e0169007; Tester DJ et al. J. Am. Coll. Cardiol., 2018 03;71:1217-1227; Choi SH et al. JAMA, 2018 12;320:2354-2364). This variant is considered to be rare based on population cohorts in the Genome Aggregation Database (gnomAD). This alteration is expected to result in loss of function by premature protein truncation or nonsense-mediated mRNA decay. While truncating variants in TTN are present in 1-3% of the general population, truncating variants in the A-band are the most common cause of DCM (Herman DS et al. N. Engl. J. Med., 2012 Feb;366:619-28; Roberts AM et al. Sci Transl Med, 2015 Jan;7:270ra6). TTN truncating variants encoded in constitutive exons (PSI >90%) have been found to be significantly associated with DCM regardless of their position in titin (Schafer S et al. Nat. Genet., 2017 01;49:46-53). Based on the supporting evidence, this alteration is interpreted as a disease-causing mutation.

Blueprint Genetics
Classification: Pathogenic for TTN-related disorders. Last evaluated: 2024-01-15. Review status: criteria provided, single submitter. Criteria: ACMG Guidelines, 2015. Collection method: clinical testing. Allele origin: germline. Affected: yes. Observed: 3 variant alleles.

Cardiogenetics and Myogenetics Molecular and Cellular Functional Unit, Aphp Sorbonne University-Hopital Pitie Salpetriere
Classification: Likely pathogenic for Dilated cardiomyopathy 1G. Last evaluated: 2024-01-06. Review status: no assertion criteria provided. Collection method: clinical testing. Allele origin: germline. Affected: yes. Not counted in ClinVar's aggregate classification.

Literature cited by the submitters: PubMed 25163546 (cited by Labcorp Genetics (formerly Invitae), Labcorp and Ambry Genetics); PubMed 28045975 (cited by Labcorp Genetics (formerly Invitae), Labcorp and Ambry Genetics); PubMed 29544605 (cited by Labcorp Genetics (formerly Invitae), Labcorp and Ambry Genetics); PubMed 30535219 (cited by Labcorp Genetics (formerly Invitae), Labcorp and Ambry Genetics); PubMed 31983221 (cited by Labcorp Genetics (formerly Invitae), Labcorp); PubMed 33996946 (cited by Labcorp Genetics (formerly Invitae), Labcorp); PubMed 34495297 (cited by Labcorp Genetics (formerly Invitae), Labcorp); PubMed 35653365 (cited by Labcorp Genetics (formerly Invitae), Labcorp); PubMed 37652022 (cited by Labcorp Genetics (formerly Invitae), Labcorp); PubMed 25589632 (cited by Labcorp Genetics (formerly Invitae), Labcorp and Ambry Genetics); PubMed 23975875 (cited by Labcorp Genetics (formerly Invitae), Labcorp).